The following is an entry in ClinVar:

NM_001034853.2(RPGR):c.3008_3022dup (p.Glu1007_Glu1008insGlyGluGlyGluGlu)

Gene: RPGR (retinitis pigmentosa GTPase regulator; minus strand). Cytogenetic location: Xp11.4.
Variant type: Duplication.
Coding change: c.3008_3022dup on transcript NM_001034853.2 (MANE Select); coding-DNA positions 3008 to 3022, 15 bases duplicated (GAGAGGGAGAGGAAG).
Protein change: p.Glu1007_Glu1008insGlyGluGlyGluGlu.
Molecular consequence: intron variant (on NM_001367249.1).
Genome position (GRCh38, 1-based): chrX:38,285,977-38,285,991, CTTCCTCTCCCTCTC duplicated on the plus strand (GAGAGGGAGAGGAAG on the coding strand, the reverse complement: RPGR is on the minus strand); duplicating any 15 consecutive bases within chrX:38,285,977-38,285,995 gives the same sequence; the c. name uses the placement nearest the transcript's 3' end. VCF-style (leftmost placement, unchanged base first): chrX-38285976-T-TCTTCCTCTCCCTCTC. GRCh37 (hg19) VCF-style: chrX-38145229-T-TCTTCCTCTCCCTCTC.
Other names: c.1569+4968_1569+4982dup (NM_001367249.1, NM_001367250.1); c.1902+1103_1902+1117dup (NM_001367245.1); c.1386+4968_1386+4982dup (NM_001367251.1); c.1719+1103_1719+1117dup (NM_001367246.1); c.1572+4968_1572+4982dup (NM_001367247.1); c.1905+1103_1905+1117dup (NM_000328.3); c.1602+4968_1602+4982dup (NM_001367248.1).
Identifiers: ClinVar variation 3697964 (VCV003697964.2).

ClinVar aggregate classification (germline): Uncertain significance (1 of 4 stars; one submission).

Conditions:
Primary ciliary dyskinesia. Also called: Ciliary dyskinesia. Identifiers: Orphanet 244, MedGen C0008780, MONDO:0016575, HP:0012265.

Submission:

Labcorp Genetics (formerly Invitae), Labcorp
Classification: Uncertain significance for Primary ciliary dyskinesia. Last evaluated: 2025-01-07. Review status: criteria provided, single submitter. Criteria: Invitae Variant Classification Sherloc (09022015). Collection method: clinical testing. Allele origin: germline.
Comment: This variant, c.3008_3022dup, results in the insertion of 5 amino acid(s) of the RPGR (ORF15) protein (p.Gly1003_Glu1007dup), but otherwise preserves the integrity of the reading frame. This variant is not present in population databases (gnomAD no frequency). This variant has not been reported in the literature in individuals affected with RPGR (ORF15)-related conditions. In summary, the available evidence is currently insufficient to determine the role of this variant in disease. Therefore, it has been classified as a Variant of Uncertain Significance.